The following is an entry in ClinVar:

ClinVar aggregate classification (germline): Uncertain significance (1 of 4 stars; one submission).

Conditions:
Juvenile polyposis syndrome (JPS). Identifiers: Orphanet 2929, MedGen C0345893, MONDO:0017380, OMIM 174900.

Submission:

All of Us Research Program, National Institutes of Health
Classification: Uncertain significance for Juvenile polyposis syndrome. Last evaluated: 2024-01-11. Review status: criteria provided, single submitter. Criteria: ACMG Guidelines, 2015. Collection method: clinical testing. Allele origin: germline. Inheritance: Autosomal dominant inheritance. Observed: 1 variant allele, 1 heterozygote.
Comment: This study involves interpretation of variants in research participants for the purpose of population health screening. Participant phenotype was not available at the time of variant classification. Additional details can be found in publication PMID: 35346344, PMCID: PMC8962531

NM_004329.3(BMPR1A):c.623A>C (p.Asp208Ala)

Gene: BMPR1A (bone morphogenetic protein receptor type 1A; plus strand). Cytogenetic location: 10q23.2.
Variant type: single nucleotide variant.
Coding change: c.623A>C on transcript NM_004329.3 (MANE Select); coding-DNA position 623, A replaced by C.
Protein change: p.Asp208Ala; replaces aspartic acid 208 with alanine.
Molecular consequence: missense variant. On other transcripts: non-coding transcript variant (3), intron variant (1).
Genome position (GRCh38, 1-based): chr10:86,912,332, A>C. VCF-style: chr10-86912332-A-C. GRCh37 (hg19) VCF-style: chr10-88672089-A-C.
Other names: c.671A>C, p.Asp224Ala (NM_001406560.1); c.623A>C, p.Asp208Ala (NM_001406561.1, NM_001406562.1, NM_001406563.1 and 20 more transcripts); c.539A>C, p.Asp180Ala (NM_001406584.1, NM_001406585.1, NM_001406586.1 and 2 more transcripts); c.698A>C, p.Asp233Ala (NM_001406559.1); c.334-4802A>C (NM_001406589.1); short protein forms D180A, D208A, D224A, D233A.
Identifiers: ClinVar variation 3075338 (VCV003075338.1), dbSNP rs2539573718, ClinGen allele CA377454848.